The following is an entry in ClinVar:

NM_000093.5(COL5A1):c.3999T>C (p.Gly1333=)

Gene: COL5A1 (collagen type V alpha 1 chain; plus strand). Cytogenetic location: 9q34.3.
Variant type: single nucleotide variant.
Coding change: c.3999T>C on transcript NM_000093.5 (MANE Select); coding-DNA position 3999, T replaced by C.
Protein change: p.Gly1333=; no amino-acid change (glycine 1333 retained).
Molecular consequence: synonymous variant.
Genome position (GRCh38, 1-based): chr9:134,814,889, T>C. VCF-style: chr9-134814889-T-C. GRCh37 (hg19) VCF-style: chr9-137706735-T-C.
Other names: c.3999T>C, p.Gly1333= (NM_001278074.1).
Identifiers: ClinVar variation 459686 (VCV000459686.15), dbSNP rs1554805651, ClinGen allele CA467663554.

ClinVar aggregate classification (germline): Likely benign. Review status: criteria provided, multiple submitters, no conflicts (2 of 4 stars). 4 submissions from 4 submitters: Likely benign (3). 1 of the submissions does not count toward it. Last evaluated 2024-05-22.

Conditions:
COL5A1-related disorder. Also called: COL5A1-related condition.
Ehlers-Danlos syndrome, classic type, 1 (EDSCL1). Also called: Ehlers-Danlos syndrome, type 1; Ehlers-Danlos Syndrome, Classic Type, COL5A1-Related; EDS I; EHLERS-DANLOS SYNDROME, GRAVIS TYPE; EHLERS-DANLOS SYNDROME, SEVERE CLASSIC TYPE. Identifiers: MedGen C0268335, MONDO:0019567, OMIM 130000.
Familial thoracic aortic aneurysm and aortic dissection (TAAD). Also called: Thoracic aortic aneurysms and dissections. Identifiers: Orphanet 91387, MedGen C4707243, MONDO:0019625.

Submissions (4):

Labcorp Genetics (formerly Invitae), Labcorp
Classification: Likely benign for Ehlers-Danlos syndrome, classic type, 1. Last evaluated: 2024-05-22. Review status: criteria provided, single submitter. Criteria: Invitae Variant Classification Sherloc (09022015). Collection method: clinical testing. Allele origin: germline.

Blueprint Genetics
Classification: Likely benign. Last evaluated: 2024-03-08. Review status: criteria provided, single submitter. Criteria: ACMG Guidelines, 2015. Collection method: clinical testing. Allele origin: germline.

Ambry Genetics
Classification: Likely benign for Familial thoracic aortic aneurysm and aortic dissection. Last evaluated: 2022-07-25. Review status: criteria provided, single submitter. Criteria: Ambry Variant Classification Scheme 2023. Collection method: clinical testing. Allele origin: germline.

PreventionGenetics, part of Exact Sciences
Classification: Likely benign for COL5A1-related condition. Last evaluated: 2024-07-10. Review status: no assertion criteria provided. Collection method: clinical testing. Allele origin: germline. Not counted in ClinVar's aggregate classification.
Comment: This variant is classified as likely benign based on ACMG/AMP sequence variant interpretation guidelines (Richards et al. 2015 PMID: 25741868, with internal and published modifications).